The following is an entry in ClinVar:

NM_003839.4(TNFRSF11A):c.17G>A (p.Arg6Gln)

Genes: TNFRSF11A (TNF receptor superfamily member 11a; plus strand), LOC130062628 (ATAC-STARR-seq lymphoblastoid silent region 9505; plus strand). Cytogenetic location: 18q21.33.
Variant type: single nucleotide variant.
Coding change: c.17G>A on transcript NM_003839.4 (MANE Select); coding-DNA position 17, G replaced by A.
Protein change: p.Arg6Gln; replaces arginine 6 with glutamine.
Molecular consequence: missense variant.
Genome position (GRCh38, 1-based): chr18:62,325,369, G>A. VCF-style: chr18-62325369-G-A. GRCh37 (hg19) VCF-style: chr18-59992602-G-A.
Other names: c.17G>A, p.Arg6Gln (NM_001270949.2, NM_001270950.2, NM_001270951.2 and 1 more transcripts); short protein forms R6Q.
Identifiers: ClinVar variation 1460965 (VCV001460965.8), dbSNP rs1405874976, ClinGen allele CA402618609.

ClinVar aggregate classification (germline): Uncertain significance (1 of 4 stars; one submission).

Allele frequency attached by ClinVar (database versions not stated): gnomAD exomes below 0.00001; TOPMed 0.00001.
gnomAD v4.1: 5 of 1,046,214 alleles (0.00048%); highest among the groups gnomAD compares: Non-Finnish European, 0.00046%; no homozygotes.

Submission:

Labcorp Genetics (formerly Invitae), Labcorp
Classification: Uncertain significance. Last evaluated: 2026-01-25. Review status: criteria provided, single submitter. Criteria: Invitae Variant Classification Sherloc (09022015). Collection method: clinical testing. Allele origin: germline.
Comment: This sequence change replaces arginine, which is basic and polar, with glutamine, which is neutral and polar, at codon 6 of the TNFRSF11A protein (p.Arg6Gln). The frequency data for this variant in the population databases is considered unreliable, as metrics indicate insufficient coverage at this position in the gnomAD database. This variant has not been reported in the literature in individuals affected with TNFRSF11A-related conditions. ClinVar contains an entry for this variant (Variation ID: 1460965). Experimental studies and prediction algorithms are not available or were not evaluated, and the functional significance of this variant is currently unknown. In summary, the available evidence is currently insufficient to determine the role of this variant in disease. Therefore, it has been classified as a Variant of Uncertain Significance.